The following is an entry in ClinVar:

NM_004310.5(RHOH):c.503G>A (p.Arg168Gln)

Gene: RHOH (ras homolog family member H; plus strand). Cytogenetic location: 4p14.
Variant type: single nucleotide variant.
Coding change: c.503G>A on transcript NM_004310.5 (MANE Select); coding-DNA position 503, G replaced by A.
Protein change: p.Arg168Gln; replaces arginine 168 with glutamine.
Molecular consequence: missense variant.
Genome position (GRCh38, 1-based): chr4:40,243,889, G>A. VCF-style: chr4-40243889-G-A. GRCh37 (hg19) VCF-style: chr4-40245509-G-A.
Other names: c.503G>A, p.Arg168Gln (NM_001278359.2, NM_001278360.2, NM_001278361.2 and 8 more transcripts); short protein forms R168Q.
Identifiers: ClinVar variation 2098100 (VCV002098100.4), dbSNP rs1294195721, ClinGen allele CA356782753.

ClinVar aggregate classification (germline): Uncertain significance (1 of 4 stars; one submission).

Conditions:
T-cell immunodeficiency with epidermodysplasia verruciformis. Identifiers: Orphanet 324294, MedGen C4749500, MONDO:0017925.

Allele frequency attached by ClinVar (database versions not stated): TOPMed below 0.00001.

Submission:

Labcorp Genetics (formerly Invitae), Labcorp
Classification: Uncertain significance for T-cell immunodeficiency with epidermodysplasia verruciformis. Last evaluated: 2022-02-17. Review status: criteria provided, single submitter. Criteria: Invitae Variant Classification Sherloc (09022015). Collection method: clinical testing. Allele origin: germline.
Comment: This variant has not been reported in the literature in individuals affected with RHOH-related conditions. This sequence change replaces arginine, which is basic and polar, with glutamine, which is neutral and polar, at codon 168 of the RHOH protein (p.Arg168Gln). This variant is not present in population databases (gnomAD no frequency). Algorithms developed to predict the effect of missense changes on protein structure and function are either unavailable or do not agree on the potential impact of this missense change (SIFT: "Tolerated"; PolyPhen-2: "Probably Damaging"; Align-GVGD: "Class C0"). In summary, the available evidence is currently insufficient to determine the role of this variant in disease. Therefore, it has been classified as a Variant of Uncertain Significance.